The following is an entry in ClinVar:

NM_000092.5(COL4A4):c.2672_2680delinsT (p.Gly891fs)

Gene: COL4A4 (collagen type IV alpha 4 chain; minus strand). Cytogenetic location: 2q36.3.
Variant type: Indel.
Coding change: c.2672_2680delinsT on transcript NM_000092.5 (MANE Select); coding-DNA positions 2672 to 2680, GTCCCTTTG replaced by T.
Protein change: p.Gly891fs; shifts the reading frame from glycine 891.
Molecular consequence: frameshift variant.
Genome position (GRCh38, 1-based): chr2:227,055,981-227,055,989, CAAAGGGAC replaced by A on the plus strand (GTCCCTTTG replaced by T on the coding strand, the reverse complement: COL4A4 is on the minus strand). VCF-style: chr2-227055981-CAAAGGGAC-A. GRCh37 (hg19) VCF-style: chr2-227920697-CAAAGGGAC-A.
Other names: short protein forms G891fs.
Identifiers: ClinVar variation 1725844 (VCV001725844.2), dbSNP rs2474117368, ClinGen allele CA2580065879.

ClinVar aggregate classification (germline): Likely pathogenic (1 of 4 stars; one submission).

Conditions:
Autosomal recessive Alport syndrome (ATS2). Also called: Alport syndrome type 2; COL4A4 Alport Syndrome and Thin Basement Membrane Nephropathy; ALPORT SYNDROME 2, AUTOSOMAL RECESSIVE; COL4A3-Related Nephropathy. Identifiers: Orphanet 63, Orphanet 88919, MedGen C4746745, MONDO:0008762, OMIM 203780.

Submission:

Myriad Genetics, Inc.
Classification: Likely pathogenic for Autosomal recessive Alport syndrome. Last evaluated: 2022-04-03. Review status: criteria provided, single submitter. Criteria: Myriad Women's Health Autosomal Recessive and X-Linked Classification Criteria (2021). Collection method: clinical testing. Allele origin: unknown.
Comment: NM_000092.4(COL4A4):c.2672_2680del9ins1(G891Vfs*3) is expected to be pathogenic in the context of COL4A4-related Alport syndrome. This variant is predicted to lead to an abnormal or absent protein product due to the creation of a premature termination codon in COL4A4, a gene where loss-of-function variants are known to be pathogenic. Please note: this variant was assessed in the context of healthy population screening.